The following is an entry in ClinVar:

NM_000334.4(SCN4A):c.943A>C (p.Asn315His)

Gene: SCN4A (sodium voltage-gated channel alpha subunit 4; minus strand). Cytogenetic location: 17q23.3.
Variant type: single nucleotide variant.
Coding change: c.943A>C on transcript NM_000334.4 (MANE Select); coding-DNA position 943, A replaced by C.
Protein change: p.Asn315His; replaces asparagine 315 with histidine.
Molecular consequence: missense variant.
Genome position (GRCh38, 1-based): chr17:63,968,116, T>G on the plus strand (A>C on the coding strand, the complement: SCN4A is on the minus strand). VCF-style: chr17-63968116-T-G. GRCh37 (hg19) VCF-style: chr17-62045476-T-G.
Other names: short protein forms N315H.
Identifiers: ClinVar variation 2955771 (VCV002955771.3), dbSNP rs1247421815, ClinGen allele CA400637355.

ClinVar aggregate classification (germline): Uncertain significance (1 of 4 stars; one submission).

Conditions:
Hyperkalemic periodic paralysis. Also called: Familial hyperkalemic periodic paralysis; Gamstorp disease. Identifiers: Orphanet 682, MedGen C0238357, MONDO:0008224, OMIM 170500, HP:0007215.

Allele frequency attached by ClinVar (database versions not stated): TOPMed below 0.00001; gnomAD exomes 0.00001.
gnomAD v4.1: 15 of 1,613,890 alleles (0.00093%); highest among the groups gnomAD compares: Non-Finnish European, 0.0012%; no homozygotes.

Submission:

Labcorp Genetics (formerly Invitae), Labcorp
Classification: Uncertain significance for Hyperkalemic periodic paralysis. Last evaluated: 2025-11-03. Review status: criteria provided, single submitter. Criteria: Invitae Variant Classification Sherloc (09022015). Collection method: clinical testing. Allele origin: germline.
Comment: This sequence change replaces asparagine, which is neutral and polar, with histidine, which is basic and polar, at codon 315 of the SCN4A protein (p.Asn315His). This variant is present in population databases (no rsID available, gnomAD 0.0009%). This variant has not been reported in the literature in individuals affected with SCN4A-related conditions. ClinVar contains an entry for this variant (Variation ID: 2955771). Invitae Evidence Modeling of protein sequence and biophysical properties (such as structural, functional, and spatial information, amino acid conservation, physicochemical variation, residue mobility, and thermodynamic stability) has been performed for this missense variant. However, the output from this modeling did not meet the statistical confidence thresholds required to predict the impact of this variant on SCN4A protein function. In summary, the available evidence is currently insufficient to determine the role of this variant in disease. Therefore, it has been classified as a Variant of Uncertain Significance.